The following is an entry in ClinVar:

ClinVar aggregate classification (germline): Uncertain significance (1 of 4 stars; one submission).

Submission:

GeneDx
Classification: Uncertain significance. Last evaluated: 2025-08-12. Review status: criteria provided, single submitter. Criteria: GeneDx Variant Classification Process June 2021. Collection method: clinical testing. Allele origin: germline. Affected: yes.
Comment: Not observed at significant frequency in large population cohorts (gnomAD); In silico analysis suggests that this missense variant does not alter protein structure/function; Has not been previously published as pathogenic or benign to our knowledge

NM_005045.4(RELN):c.467A>T (p.Asn156Ile)

Gene: RELN (reelin; minus strand). Cytogenetic location: 7q22.1.
Variant type: single nucleotide variant.
Coding change: c.467A>T on transcript NM_005045.4 (MANE Select); coding-DNA position 467, A replaced by T.
Protein change: p.Asn156Ile; replaces asparagine 156 with isoleucine.
Molecular consequence: missense variant.
Genome position (GRCh38, 1-based): chr7:103,833,543, T>A on the plus strand (A>T on the coding strand, the complement: RELN is on the minus strand). VCF-style: chr7-103833543-T-A. GRCh37 (hg19) VCF-style: chr7-103473990-T-A.
Other names: c.467A>T, p.Asn156Ile (NM_173054.3); short protein forms N156I.
Identifiers: ClinVar variation 4795782 (VCV004795782.1).